The following is an entry in ClinVar:

ClinVar aggregate classification (germline): Conflicting classifications of pathogenicity. Review status: criteria provided, conflicting classifications (1 of 4 stars). 2 submissions from 2 submitters: Uncertain significance (1); Likely benign (1). Last evaluated 2025-11-25.

Conditions:
Cataract 22 multiple types. Also called: CATARACT 22, MULTIPLE TYPES, AUTOSOMAL DOMINANT; CATARACT 22, NUCLEAR, AUTOSOMAL RECESSIVE; Cataract 22. Identifiers: Orphanet 91492, MedGen C1857853, MONDO:0012336, OMIM 609741.
Inborn genetic diseases. Identifiers: MedGen C0950123, MeSH D030342.

Submissions (2):

Labcorp Genetics (formerly Invitae), Labcorp
Classification: Uncertain significance for Cataract 22 multiple types. Last evaluated: 2025-11-25. Review status: criteria provided, single submitter. Criteria: Invitae Variant Classification Sherloc (09022015). Collection method: clinical testing. Allele origin: germline.
Comment: This sequence change replaces arginine, which is basic and polar, with cysteine, which is neutral and slightly polar, at codon 207 of the CRYBB3 protein (p.Arg207Cys). This variant is present in population databases (rs750619689, gnomAD 0.02%). This variant has not been reported in the literature in individuals affected with CRYBB3-related conditions. ClinVar contains an entry for this variant (Variation ID: 4007160). An algorithm developed to predict the effect of missense changes on protein structure and function outputs the following: PolyPhen-2: "Benign". The cysteine amino acid residue is found in multiple mammalian species, which suggests that this missense change does not adversely affect protein function. In summary, the available evidence is currently insufficient to determine the role of this variant in disease. Therefore, it has been classified as a Variant of Uncertain Significance.

Ambry Genetics
Classification: Likely benign for Inborn genetic diseases. Last evaluated: 2025-04-19. Review status: criteria provided, single submitter. Criteria: Ambry Variant Classification Scheme 2023. Collection method: clinical testing. Allele origin: germline.

NM_004076.5(CRYBB3):c.619C>T (p.Arg207Cys)

Gene: CRYBB3 (crystallin beta B3; plus strand). Cytogenetic location: 22q11.23.
Variant type: single nucleotide variant.
Coding change: c.619C>T on transcript NM_004076.5 (MANE Select); coding-DNA position 619, C replaced by T.
Protein change: p.Arg207Cys; replaces arginine 207 with cysteine.
Molecular consequence: missense variant.
Genome position (GRCh38, 1-based): chr22:25,207,195, C>T. VCF-style: chr22-25207195-C-T. GRCh37 (hg19) VCF-style: chr22-25603162-C-T.
Other names: short protein forms R207C.
Identifiers: ClinVar variation 4007160 (VCV004007160.2).